The following is an entry in ClinVar:

ClinVar aggregate classification (germline): Likely benign (0 of 4 stars; one submission).

Conditions:
FSIP2-related disorder. Also called: FSIP2-related condition.

Allele frequency attached by ClinVar (database versions not stated): gnomAD exomes 0.00068; ExAC 0.00198; gnomAD 0.00626; 1000 Genomes Project 0.00639; 1000 Genomes Project 30x 0.00656; ESP Exome Variant Server 0.00710; TOPMed 0.00729.
gnomAD v4.1: 2,026 of 1,605,610 alleles (0.13%); highest among the groups gnomAD compares: African/African-American, 2.2%; 24 homozygotes.

Submission:

PreventionGenetics, part of Exact Sciences
Classification: Likely benign for FSIP2-related condition. Last evaluated: 2019-04-11. Review status: no assertion criteria provided. Collection method: clinical testing. Allele origin: germline.
Comment: This variant is classified as likely benign based on ACMG/AMP sequence variant interpretation guidelines (Richards et al. 2015 PMID: 25741868, with internal and published modifications).

NM_173651.4(FSIP2):c.19595T>C (p.Ile6532Thr)

Gene: FSIP2 (fibrous sheath interacting protein 2; plus strand). Cytogenetic location: 2q32.1.
Variant type: single nucleotide variant.
Coding change: c.19595T>C on transcript NM_173651.4 (MANE Select); coding-DNA position 19595, T replaced by C.
Protein change: p.Ile6532Thr; replaces isoleucine 6532 with threonine.
Molecular consequence: missense variant.
Genome position (GRCh38, 1-based): chr2:185,808,901, T>C. VCF-style: chr2-185808901-T-C. GRCh37 (hg19) VCF-style: chr2-186673628-T-C.
Other names: short protein forms I6532T.
Identifiers: ClinVar variation 3050212 (VCV003050212.2), dbSNP rs13428732, ClinGen allele CA2017733.